The following is an entry in ClinVar:

NM_000455.5(STK11):c.890G>A (p.Arg297Lys)

Gene: STK11 (serine/threonine kinase 11; plus strand). Cytogenetic location: 19p13.3.
Variant type: single nucleotide variant.
Coding change: c.890G>A on transcript NM_000455.5 (MANE Select); coding-DNA position 890, G replaced by A.
Protein change: p.Arg297Lys; replaces arginine 297 with lysine.
Molecular consequence: missense variant.
Genome position (GRCh38, 1-based): chr19:1,221,976, G>A. VCF-style: chr19-1221976-G-A. GRCh37 (hg19) VCF-style: chr19-1221975-G-A.
Other names: short protein forms R297K.
Identifiers: ClinVar variation 630009 (VCV000630009.12), dbSNP rs1568710381, ClinGen allele CA402951238.

ClinVar aggregate classification (germline): Conflicting classifications of pathogenicity. Review status: criteria provided, conflicting classifications (1 of 4 stars). 3 submissions from 3 submitters: Pathogenic (2); Uncertain significance (1). Last evaluated 2022-06-13.

Conditions:
Peutz-Jeghers syndrome (PJS). Also called: POLYPOSIS, HAMARTOMATOUS INTESTINAL; POLYPS-AND-SPOTS SYNDROME; Peutz-Jeghers polyposis; Periorificial lentiginosis syndrome. Identifiers: Orphanet 2869, MedGen C0031269, MeSH D010580, MONDO:0008280, OMIM 175200.
Hereditary cancer-predisposing syndrome. Also called: Tumor predisposition; Neoplastic Syndromes, Hereditary; Hereditary Cancer Syndrome; Hereditary neoplastic syndrome. Identifiers: Orphanet 140162, MedGen C0027672, MeSH D009386, MONDO:0015356.

Submissions (3):

Labcorp Genetics (formerly Invitae), Labcorp
Classification: Pathogenic for Peutz-Jeghers syndrome. Last evaluated: 2022-06-13. Review status: criteria provided, single submitter. Criteria: Invitae Variant Classification Sherloc (09022015). Collection method: clinical testing. Allele origin: germline.
Comment: This sequence change replaces arginine, which is basic and polar, with lysine, which is basic and polar, at codon 297 of the STK11 protein (p.Arg297Lys). This variant is not present in population databases (gnomAD no frequency). This missense change has been observed in individuals with Peutz–Jeghers syndrome (PMID: 10408777, 16287113, 22543132, 24652667, 26607058, 28185117). It has also been observed to segregate with disease in related individuals. This variant is also known as c.4016G>A. ClinVar contains an entry for this variant (Variation ID: 630009). Advanced modeling of protein sequence and biophysical properties (such as structural, functional, and spatial information, amino acid conservation, physicochemical variation, residue mobility, and thermodynamic stability) performed at Invitae indicates that this missense variant is expected to disrupt STK11 protein function. This variant disrupts the p.Arg297 amino acid residue in STK11. Other variant(s) that disrupt this residue have been observed in individuals with STK11-related conditions (PMID: 10874301, 24652667), which suggests that this may be a clinically significant amino acid residue. For these reasons, this variant has been classified as Pathogenic.

Genome-Nilou Lab
Classification: Pathogenic for Peutz-Jeghers syndrome. Last evaluated: 2021-07-15. Review status: criteria provided, single submitter. Criteria: ACMG Guidelines, 2015. Collection method: clinical testing. Allele origin: germline. Affected: no.

Color Diagnostics, LLC DBA Color Health
Classification: Uncertain significance for Hereditary cancer-predisposing syndrome. Last evaluated: 2018-11-11. Review status: criteria provided, single submitter. Criteria: ACMG Guidelines, 2015. Collection method: clinical testing. Allele origin: germline.

Literature cited by the submitters: PubMed 10408777 (cited by Labcorp Genetics (formerly Invitae), Labcorp); PubMed 16287113 (cited by Labcorp Genetics (formerly Invitae), Labcorp); PubMed 22543132 (cited by Labcorp Genetics (formerly Invitae), Labcorp); PubMed 24652667 (cited by Labcorp Genetics (formerly Invitae), Labcorp); PubMed 26607058 (cited by Labcorp Genetics (formerly Invitae), Labcorp); PubMed 28185117 (cited by Labcorp Genetics (formerly Invitae), Labcorp); PubMed 10874301 (cited by Labcorp Genetics (formerly Invitae), Labcorp).